The following is an entry in ClinVar:

NM_001001957.2(OR2W3):c.303C>T (p.Leu101=)

Gene: OR2W3 (olfactory receptor family 2 subfamily W member 3; plus strand). Cytogenetic location: 1q44.
Variant type: single nucleotide variant.
Coding change: c.303C>T on transcript NM_001001957.2 (MANE Select); coding-DNA position 303, C replaced by T.
Protein change: p.Leu101=; no amino-acid change (leucine 101 retained).
Molecular consequence: synonymous variant.
Genome position (GRCh38, 1-based): chr1:247,895,889, C>T. VCF-style: chr1-247895889-C-T. GRCh37 (hg19) VCF-style: chr1-248059191-C-T.
Identifiers: ClinVar variation 2771495 (VCV002771495.3), dbSNP rs2527687762, ClinGen allele CA424738140.

ClinVar aggregate classification (germline): Uncertain significance (1 of 4 stars; one submission).

Allele frequency attached by ClinVar (database versions not stated): gnomAD exomes below 0.00001.

Submission:

Labcorp Genetics (formerly Invitae), Labcorp
Classification: Uncertain significance. Last evaluated: 2025-01-31. Review status: criteria provided, single submitter. Criteria: Invitae Variant Classification Sherloc (09022015). Collection method: clinical testing. Allele origin: germline.
Comment: This sequence change affects codon 101 of the OR2W3 mRNA. It is a 'silent' change, meaning that it does not change the encoded amino acid sequence of the OR2W3 protein. This variant is not present in population databases (gnomAD no frequency). This variant has not been reported in the literature in individuals affected with OR2W3-related conditions. ClinVar contains an entry for this variant (Variation ID: 2771495). In summary, the available evidence is currently insufficient to determine the role of this variant in disease. Therefore, it has been classified as a Variant of Uncertain Significance.